The following is an entry in ClinVar:

NM_004329.3(BMPR1A):c.811T>A (p.Trp271Arg)

Gene: BMPR1A (bone morphogenetic protein receptor type 1A; plus strand). Cytogenetic location: 10q23.2.
Variant type: single nucleotide variant.
Coding change: c.811T>A on transcript NM_004329.3 (MANE Select); coding-DNA position 811, T replaced by A.
Protein change: p.Trp271Arg; replaces tryptophan 271 with arginine.
Molecular consequence: missense variant. On other transcripts: non-coding transcript variant (3).
Genome position (GRCh38, 1-based): chr10:86,917,269, T>A. VCF-style: chr10-86917269-T-A. GRCh37 (hg19) VCF-style: chr10-88677026-T-A.
Other names: c.469T>A, p.Trp157Arg (NM_001406589.1); c.727T>A, p.Trp243Arg (NM_001406588.1, NM_001406584.1, NM_001406585.1 and 2 more transcripts); c.886T>A, p.Trp296Arg (NM_001406559.1); c.859T>A, p.Trp287Arg (NM_001406560.1); c.811T>A, p.Trp271Arg (NM_001406561.1, NM_001406562.1, NM_001406563.1 and 19 more transcripts); c.805T>A, p.Trp269Arg (NM_001406583.1); short protein forms W157R, W243R, W269R, W271R, W287R, W296R.
Identifiers: ClinVar variation 4867569 (VCV004867569.1).
Genomic context (GRCh38, chr10:86,917,269, plus strand): 5'-GGCAAATGGCGTGGCGAAAAAGTGGCGGTGAAAGTATTCTTTACCACTGAAGAAGCCAGC[T>A]GGTTTCGAGAAACAGAAATCTACCAAACTGTGCTAATGCGCCATGAAAACATACTTGGTG-3'
Protein context (NP_004320.2, residues 261-281): KVFFTTEEAS[Trp271Arg]FRETEIYQTV

ClinVar aggregate classification (germline): Uncertain significance (1 of 4 stars; one submission).

Conditions:
Hereditary cancer-predisposing syndrome. Also called: Neoplastic Syndromes, Hereditary; Tumor predisposition; Hereditary Cancer Syndrome; Hereditary neoplastic syndrome. Identifiers: Orphanet 140162, MedGen C0027672, MeSH D009386, MONDO:0015356.

Submission:

Ambry Genetics
Classification: Uncertain significance for Hereditary cancer-predisposing syndrome. Last evaluated: 2026-06-10. Review status: criteria provided, single submitter. Criteria: Ambry Variant Classification Scheme 2023. Collection method: clinical testing. Allele origin: germline.
Comment: The p.W271R variant (also known as c.811T>A), located in coding exon 7 of the BMPR1A gene, results from a T to A substitution at nucleotide position 811. The tryptophan at codon 271 is replaced by arginine, an amino acid with dissimilar properties. This amino acid position is conserved. In addition, this alteration is predicted to be deleterious by in silico analysis. Based on the available evidence, the clinical significance of this variant remains unclear.